The following is an entry in ClinVar:

NM_001286.5(CLCN6):c.2378C>T (p.Thr793Met)

Gene: CLCN6 (chloride voltage-gated channel 6; plus strand). Cytogenetic location: 1p36.22.
Variant type: single nucleotide variant.
Coding change: c.2378C>T on transcript NM_001286.5 (MANE Select); coding-DNA position 2378, C replaced by T.
Protein change: p.Thr793Met; replaces threonine 793 with methionine.
Molecular consequence: missense variant. On other transcripts: non-coding transcript variant (1).
Genome position (GRCh38, 1-based): chr1:11,838,417, C>T. VCF-style: chr1-11838417-C-T. GRCh37 (hg19) VCF-style: chr1-11898474-C-T.
Other names: c.2312C>T, p.Thr771Met (NM_001256959.2); short protein forms T793M, T771M.
Identifiers: ClinVar variation 3676793 (VCV003676793.2).
Genomic context (GRCh38, chr1:11,838,417, plus strand): 5'-CCTATGCCGAGATGGCCGAGGACTACCCGCGGTACCCCGACATCCACGACCTGGACCTGA[C>T]GCTGCTCAACCCGCGCATGATCGTGGTGAGAAGGGCTGCCCCGGCCTGTCCCATGCGGAG-3'
Protein context (NP_001277.2, residues 783-803): RYPDIHDLDL[Thr793Met]LLNPRMIVDV

ClinVar aggregate classification (germline): Uncertain significance (1 of 4 stars; one submission).

gnomAD v4.1: 26 of 1,614,156 alleles (0.0016%); highest among the groups gnomAD compares: African/African-American, 0.0053%; no homozygotes.

Submission:

Labcorp Genetics (formerly Invitae), Labcorp
Classification: Uncertain significance. Last evaluated: 2024-03-07. Review status: criteria provided, single submitter. Criteria: Invitae Variant Classification Sherloc (09022015). Collection method: clinical testing. Allele origin: germline.
Comment: This sequence change replaces threonine, which is neutral and polar, with methionine, which is neutral and non-polar, at codon 793 of the CLCN6 protein (p.Thr793Met). This variant is present in population databases (rs777164079, gnomAD 0.007%). This variant has not been reported in the literature in individuals affected with CLCN6-related conditions. An algorithm developed to predict the effect of missense changes on protein structure and function (PolyPhen-2) suggests that this variant is likely to be disruptive. In summary, the available evidence is currently insufficient to determine the role of this variant in disease. Therefore, it has been classified as a Variant of Uncertain Significance.